The following is an entry in ClinVar:

NM_001367479.1(DNAH14):c.12096C>T (p.Ala4032=)

Gene: DNAH14 (dynein axonemal heavy chain 14; plus strand). Cytogenetic location: 1q42.12.
Variant type: single nucleotide variant.
Coding change: c.12096C>T on transcript NM_001367479.1 (MANE Select); coding-DNA position 12096, C replaced by T.
Protein change: p.Ala4032=; no amino-acid change (alanine 4032 retained).
Molecular consequence: synonymous variant.
Genome position (GRCh38, 1-based): chr1:225,367,810, C>T. VCF-style: chr1-225367810-C-T. GRCh37 (hg19) VCF-style: chr1-225555512-C-T.
Identifiers: ClinVar variation 402661 (VCV000402661.5), dbSNP rs11578981, ClinGen allele CA1416806.

ClinVar aggregate classification (germline): Benign. Review status: criteria provided, multiple submitters, no conflicts (2 of 4 stars). 2 submissions from 2 submitters: Benign (2). Last evaluated 2016-03-28.

Allele frequency attached by ClinVar (database versions not stated): 1000 Genomes Project 0.32508; 1000 Genomes Project 30x 0.32636; ExAC 0.42805; TOPMed 0.43025; gnomAD 0.44428 and 0.44980; gnomAD exomes 0.45765 and 0.52255; ESP Exome Variant Server 0.46408.
gnomAD v4.1: 795,162 of 1,545,532 alleles (51%); highest among the groups gnomAD compares: Middle Eastern, 62%; 213,426 homozygotes.

Submissions (2):

Laboratory for Molecular Medicine, Mass General Brigham Personalized Medicine
Classification: Benign. Last evaluated: 2016-03-28. Review status: criteria provided, single submitter. Criteria: LMM Criteria. Collection method: clinical testing. Allele origin: germline.
Comment: Variant identified in a genome or exome case(s) and assessed due to predicted null impact of the variant or pathogenic assertions in the literature or databases. Disclaimer: This variant has not undergone full assessment. The following are preliminary notes: Frequency

Breakthrough Genomics
Classification: Benign. Review status: criteria provided, single submitter. Criteria: ACMG Guidelines, 2015. Collection method: not provided. Allele origin: germline. Inheritance: Unknown mechanism. Affected: yes.